The following is an entry in ClinVar:

NM_005393.3(PLXNB3):c.3896C>A (p.Thr1299Asn)

Gene: PLXNB3 (plexin B3; plus strand). Cytogenetic location: Xq28.
Variant type: single nucleotide variant.
Coding change: c.3896C>A on transcript NM_005393.3 (MANE Select); coding-DNA position 3896, C replaced by A.
Protein change: p.Thr1299Asn; replaces threonine 1299 with asparagine.
Molecular consequence: missense variant.
Genome position (GRCh38, 1-based): chrX:153,774,771, C>A. VCF-style: chrX-153774771-C-A. GRCh37 (hg19) VCF-style: chrX-153040226-C-A.
Other names: c.3965C>A, p.Thr1322Asn (NM_001163257.2); short protein forms T1322N, T1299N.
Identifiers: ClinVar variation 4839326 (VCV004839326.1).

ClinVar aggregate classification (germline): Uncertain significance (1 of 4 stars; one submission).

gnomAD v4.1: 17 of 1,203,018 alleles (0.0014%); highest among the groups gnomAD compares: Non-Finnish European, 0.0019%; no homozygotes.

Submission:

Ambry Genetics
Classification: Uncertain significance. Last evaluated: 2026-01-14. Review status: criteria provided, single submitter. Criteria: Ambry Variant Classification Scheme 2023. Collection method: clinical testing. Allele origin: germline.
Comment: The c.3965C>A (p.T1322N) alteration is located in exon 24 (coding exon 22) of the PLXNB3 gene. This alteration results from a C to A substitution at nucleotide position 3965, causing the threonine (T) at amino acid position 1322 to be replaced by an asparagine (N). Based on data from gnomAD, the A allele has an overall frequency of <0.001% (0/167955) total alleles studied. The highest observed frequency was <0.001% (/) of alleles. Based on insufficient or conflicting evidence, the clinical significance of this alteration remains unclear.